The following is an entry in ClinVar:

ClinVar aggregate classification (germline): Uncertain significance (1 of 4 stars; one submission).

Submission:

GeneDx
Classification: Uncertain significance. Last evaluated: 2024-03-19. Review status: criteria provided, single submitter. Criteria: GeneDx Variant Classification Process June 2021. Collection method: clinical testing. Allele origin: germline. Affected: yes.
Comment: Not observed at significant frequency in large population cohorts (gnomAD); In silico analysis supports a deleterious effect on splicing; Has not been previously published as pathogenic or benign to our knowledge

NM_002911.4(UPF1):c.810+2dup

Gene: UPF1 (UPF1 RNA helicase and ATPase; plus strand). Cytogenetic location: 19p13.11.
Variant type: Duplication.
Coding change: c.810+2dup on transcript NM_002911.4 (MANE Select); the canonical splice donor site of the intron after coding-DNA position 810, one base duplicated (T; older notation c.810+2dupT).
Molecular consequence: splice donor variant.
Genome position (GRCh38, 1-based): chr19:18,850,870, T duplicated. VCF-style (leftmost placement, unchanged base first): chr19-18850869-G-GT. GRCh37 (hg19) VCF-style: chr19-18961678-G-GT.
Other names: c.810+2dup (NM_001297549.2).
Identifiers: ClinVar variation 3370829 (VCV003370829.1).